The following is an entry in ClinVar:

NM_013352.4(DSE):c.2620G>A (p.Gly874Ser)

Gene: DSE (dermatan sulfate epimerase; plus strand). Cytogenetic location: 6q22.1.
Variant type: single nucleotide variant.
Coding change: c.2620G>A on transcript NM_013352.4 (MANE Select); coding-DNA position 2620, G replaced by A.
Protein change: p.Gly874Ser; replaces glycine 874 with serine.
Molecular consequence: missense variant. On other transcripts: 3 prime UTR variant (2), non-coding transcript variant (1).
Genome position (GRCh38, 1-based): chr6:116,437,088, G>A. VCF-style: chr6-116437088-G-A. GRCh37 (hg19) VCF-style: chr6-116758251-G-A.
Other names: p.Gly874Ser; c.2620G>A, p.Gly874Ser (NM_001080976.3, NM_001322937.2, NM_001322938.2); c.2677G>A, p.Gly893Ser (NM_001322939.2); c.2059G>A, p.Gly687Ser (NM_001322940.2, NM_001322941.2); c.*1485G>A (NM_001322943.2, NM_001322944.2); c.1621G>A, p.Gly541Ser (NM_001374520.1); c.1585G>A, p.Gly529Ser (NM_001374521.1); short protein forms G529S, G541S, G687S, G874S, G893S.
Identifiers: ClinVar variation 3379707 (VCV003379707.1).

ClinVar aggregate classification (germline): Uncertain significance (1 of 4 stars; one submission).

gnomAD v4.1: 7 of 1,609,362 alleles (0.00043%); highest among the groups gnomAD compares: Admixed American, 0.0033%; no homozygotes.

Submission:

Mayo Clinic Laboratories, Mayo Clinic
Classification: Uncertain significance. Last evaluated: 2024-07-29. Review status: criteria provided, single submitter. Criteria: ACMG Guidelines, 2015. Collection method: clinical testing. Allele origin: germline. Observed: 1 variant allele.
Comment: BP4, PM2